The following is an entry in ClinVar:

ClinVar aggregate classification (germline): Pathogenic (1 of 4 stars; one submission).

Conditions:
Usher syndrome type 3A (USH3A). Also called: USHER SYNDROME, TYPE IIIA. Identifiers: MedGen C5779850, MONDO:0010170, OMIM 276902.

Submission:

Institute of Rare Diseases, West China Hospital, Sichuan University
Classification: Pathogenic for Usher syndrome type 3A. Last evaluated: 2025-01-09. Review status: criteria provided, single submitter. Criteria: ClinGen HL ACMG Specifications v1. Collection method: research. Allele origin: germline. Affected: yes.
Comment: PVS1;PM3_Supporting;PM2_Supporting

NM_174878.3(CLRN1):c.96del (p.Leu32fs)

Gene: CLRN1 (clarin 1; minus strand). Cytogenetic location: 3q25.1.
Variant type: Deletion.
Coding change: c.96del on transcript NM_174878.3 (MANE Select); coding-DNA position 96, one base deleted (G; older notation c.96delG).
Protein change: p.Leu32fs; shifts the reading frame from leucine 32.
Molecular consequence: frameshift variant. On other transcripts: non-coding transcript variant (1).
Genome position (GRCh38, 1-based): chr3:150,972,613, C deleted on the plus strand (G on the coding strand, the reverse complement: CLRN1 is on the minus strand). VCF-style (leftmost placement, unchanged base first): chr3-150972612-AC-A. GRCh37 (hg19) VCF-style: chr3-150690399-AC-A.
Other names: c.96del, p.Leu32fs (NM_001195794.1, NM_001256819.2); short protein forms L32fs.
Identifiers: ClinVar variation 3601049 (VCV003601049.1).